The following is an entry in ClinVar:

NM_006939.4(SOS2):c.3286G>A (p.Ala1096Thr)

Gene: SOS2 (SOS Ras/Rho guanine nucleotide exchange factor 2; minus strand). Cytogenetic location: 14q21.3.
Variant type: single nucleotide variant.
Coding change: c.3286G>A on transcript NM_006939.4 (MANE Select); coding-DNA position 3286, G replaced by A.
Protein change: p.Ala1096Thr; replaces alanine 1096 with threonine.
Molecular consequence: missense variant.
Genome position (GRCh38, 1-based): chr14:50,130,552, C>T on the plus strand (G>A on the coding strand, the complement: SOS2 is on the minus strand). VCF-style: chr14-50130552-C-T. GRCh37 (hg19) VCF-style: chr14-50597270-C-T.
Other names: c.3187G>A, p.Ala1063Thr (NM_001411020.1); short protein forms A1063T, A1096T.
Identifiers: ClinVar variation 2899887 (VCV002899887.3), dbSNP rs1883835710, ClinGen allele CA389640440.

ClinVar aggregate classification (germline): Uncertain significance (1 of 4 stars; one submission).

Conditions:
Noonan syndrome 9 (NS9). Identifiers: Orphanet 648, MedGen C4225282, MONDO:0014691, OMIM 616559.

Allele frequency attached by ClinVar (database versions not stated): TOPMed below 0.00001.

Submission:

Labcorp Genetics (formerly Invitae), Labcorp
Classification: Uncertain significance for Noonan syndrome 9. Last evaluated: 2022-11-17. Review status: criteria provided, single submitter. Criteria: Invitae Variant Classification Sherloc (09022015). Collection method: clinical testing. Allele origin: germline.
Comment: Advanced modeling of protein sequence and biophysical properties (such as structural, functional, and spatial information, amino acid conservation, physicochemical variation, residue mobility, and thermodynamic stability) performed at Invitae indicates that this missense variant is not expected to disrupt SOS2 protein function. In summary, the available evidence is currently insufficient to determine the role of this variant in disease. Therefore, it has been classified as a Variant of Uncertain Significance. This variant has not been reported in the literature in individuals affected with SOS2-related conditions. This variant is not present in population databases (gnomAD no frequency). This sequence change replaces alanine, which is neutral and non-polar, with threonine, which is neutral and polar, at codon 1096 of the SOS2 protein (p.Ala1096Thr).